The following continues an entry in ClinVar:

NM_000372.5(TYR):c.1A>G (p.Met1Val)

Gene: TYR. ClinVar aggregate classification (germline): Pathogenic/Likely pathogenic. Pathogenic (19); Likely pathogenic (1).

Submissions 17 to 24 of 24:

Centre for Mendelian Genomics, University Medical Centre Ljubljana
Classification: Pathogenic for Oculocutaneous albinism type 1A. Last evaluated: 2016-01-01. Review status: criteria provided, single submitter. Criteria: ACMG Guidelines, 2015. Collection method: clinical testing. Allele origin: unknown. Affected: yes.
Comment: This variant was classified as: Pathogenic. The following ACMG criteria were applied in classifying this variant: PVS1,PM2,PP3,PP4,PS1.

Genetic Services Laboratory, University of Chicago
Classification: Pathogenic for Albinism, oculocutaneous, type IA. Last evaluated: 2015-04-17. Review status: criteria provided, single submitter. Criteria: ACMG Guidelines, 2015. Collection method: clinical testing. Allele origin: germline. Affected: yes.

Neuberg Centre For Genomic Medicine, NCGM
Classification: Pathogenic for Oculocutaneous albinism type 1B. Review status: criteria provided, single submitter. Criteria: ACMG Guidelines, 2015. Collection method: clinical testing. Allele origin: germline. Inheritance: Autosomal recessive inheritance. Affected: yes.
Comment: The initiator codon variant p.M1V in TYR (NM_000372.5) has been previously reported in individuals affected with Ocular albinism ( Fukaiet al, 1995). The p.M1V variant is observed in 15/1,13,732 (0.0132%) alleles from individuals of European (Non-Finnish) background in gnomAD Exomes and is novel (not in any individuals) in 1000 Genomes. The p.M1V variant is a loss of function variant in the gene TYR, which is intolerant of Loss of Function variants. The variant is predicted to be damaging by both SIFT and PolyPhen2. The residue is conserved across species. The nucleotide change in TYR is predicted as conserved by GERP++ and PhyloP across 100 vertebrates. For these reasons, this variant has been classified as Pathogenic

Neuberg Centre For Genomic Medicine, NCGM
Classification: Pathogenic for Oculocutaneous albinism type 1A. Review status: criteria provided, single submitter. Criteria: ACMG Guidelines, 2015. Collection method: clinical testing. Allele origin: germline. Inheritance: Autosomal recessive inheritance. Affected: yes.
Comment: The start lost c.1A>G p.Met1? variant in TYR gene has been reported previously in individuals affected in both homozygous and compound heterozygous state with oculocutaneous albinism type A Baban et al. 2018; Zhong et al. 2019. The p.Met1? variant is reported with an allele frequency of 0.006% in the gnomAD exomes database and is novel not in any individuals in 1000 Genomes database. This variant has been reported to the ClinVar database as Likely Pathogenic / Pathogenic multiple submissions. The amino acid change p.Met1? in TYR is predicted as conserved by GERP++ and PhyloP across 100 vertebrates. The next in-frame methionine is located at codon 31. The p.Met1? variant is predicted to disrupt the initiation codon, and thus potentially may interfere with protein expression. Loss of function variants have been previously reported to be disease causing. For these reasons, this variant has been classified as Pathogenic.

OMIM
Classification: Pathogenic for ALBINISM, OCULOCUTANEOUS, TYPE IB. Last evaluated: 1995-01-01. Review status: no assertion criteria provided. Collection method: literature only. Allele origin: germline. Not counted in ClinVar's aggregate classification.

Clinical Genetics, Academic Medical Center
Classification: Pathogenic. Review status: no assertion criteria provided. Collection method: clinical testing. Allele origin: germline. Affected: yes. Study: VKGL Data-share Consensus. Not counted in ClinVar's aggregate classification.

Joint Genome Diagnostic Labs from Nijmegen and Maastricht, Radboudumc and MUMC+
Classification: Likely pathogenic. Review status: no assertion criteria provided. Collection method: clinical testing. Allele origin: germline. Affected: yes. Study: VKGL Data-share Consensus. Not counted in ClinVar's aggregate classification.

Retina International
No classification provided. Review status: no classification provided. Collection method: not provided. Allele origin: unknown. Not counted in ClinVar's aggregate classification.

Literature cited by the submitters: PubMed 7955413 (cited by Ambry Genetics and Labcorp Genetics (formerly Invitae), Labcorp); PubMed 29658579 (cited by Ambry Genetics); PubMed 28378818 (cited by Labcorp Genetics (formerly Invitae), Labcorp); PubMed 28976636 (cited by Labcorp Genetics (formerly Invitae), Labcorp); PubMed 31077556 (cited by Labcorp Genetics (formerly Invitae), Labcorp); PubMed 7704033 (cited by OMIM).